The following is an entry in ClinVar:

ClinVar aggregate classification (germline): Pathogenic (1 of 4 stars; one submission).

Conditions:
Hereditary hemorrhagic telangiectasia (HHT). Also called: ORW DISEASE; Osler Weber Rendu syndrome; OSLER-RENDU-WEBER DISEASE; Osler hemorrhagic telangiectasia syndrome. Identifiers: Orphanet 774, MedGen C0039445, MONDO:0019180. Disease mechanism: loss of function.

Submission:

Labcorp Genetics (formerly Invitae), Labcorp
Classification: Pathogenic for Hereditary hemorrhagic telangiectasia. Last evaluated: 2022-02-03. Review status: criteria provided, single submitter. Criteria: Invitae Variant Classification Sherloc (09022015). Collection method: clinical testing. Allele origin: germline.
Comment: For these reasons, this variant has been classified as Pathogenic. This variant has not been reported in the literature in individuals affected with ENG-related conditions. This variant is not present in population databases (gnomAD no frequency). This sequence change creates a premature translational stop signal (p.Asp294Argfs*40) in the ENG gene. It is expected to result in an absent or disrupted protein product. Loss-of-function variants in ENG are known to be pathogenic (PMID: 15879500).

Literature cited by the submitters: PubMed 15879500.

NM_001114753.3(ENG):c.875dup (p.Asp294fs)

Gene: ENG (endoglin; minus strand). Cytogenetic location: 9q34.11.
Variant type: Duplication.
Coding change: c.875dup on transcript NM_001114753.3 (MANE Select); coding-DNA position 875, one base duplicated (T; older notation c.875dupT).
Protein change: p.Asp294fs; shifts the reading frame from aspartic acid 294.
Molecular consequence: frameshift variant.
Genome position (GRCh38, 1-based): chr9:127,824,916, A duplicated on the plus strand (T on the coding strand, the reverse complement: ENG is on the minus strand). VCF-style (leftmost placement, unchanged base first): chr9-127824915-G-GA. GRCh37 (hg19) VCF-style: chr9-130587194-G-GA.
Other names: c.875dup, p.Asp294Argfs (NM_000118.4, NM_001406715.1); c.329dup, p.Asp112fs (NM_001278138.2); short protein forms D294fs, D112fs.
Identifiers: ClinVar variation 2092061 (VCV002092061.4), dbSNP rs2539073125, ClinGen allele CA2580079641.